The following is an entry in ClinVar:

NM_001184880.2(PCDH19):c.1421_1422del (p.Ser474fs)

Gene: PCDH19 (protocadherin 19; minus strand). Cytogenetic location: Xq22.1.
Variant type: Microsatellite.
Coding change: c.1421_1422del on transcript NM_001184880.2 (MANE Select); coding-DNA positions 1421 to 1422, 2 bases deleted (CT; older notation c.1421_1422delCT).
Protein change: p.Ser474fs; shifts the reading frame from serine 474.
Molecular consequence: frameshift variant.
Genome position (GRCh38, 1-based): chrX:100,407,176-100,407,177, AG deleted on the plus strand (CT on the coding strand, the reverse complement: PCDH19 is on the minus strand); deleting any 2 consecutive bases within chrX:100,407,176-100,407,181 gives the same sequence; the c. name uses the placement nearest the transcript's 3' end. VCF-style (leftmost placement, unchanged base first): chrX-100407175-CAG-C. GRCh37 (hg19) VCF-style: chrX-99662173-CAG-C.
Other names: c.1421_1422del, p.Ser474fs (NM_001105243.2, NM_020766.3); short protein forms S474fs.
Identifiers: ClinVar variation 2759553 (VCV002759553.3), dbSNP rs1085307873, ClinGen allele CA2697553219.
Genomic context (GRCh38, chrX:100,407,175, plus strand): 5'-ACGGCACGATCTGGTAGGAGACACTGCCGTTGAGACCCAGGTCGGGGTCGCGAGCAGACA[CAG>C]AGAGCAGATAGGCGCCAGGCGTGTTGTTCTCCTGCACAATGACCTGGTAGTAGGGCTTGG-3'

ClinVar aggregate classification (germline): Pathogenic (1 of 4 stars; one submission).

Conditions:
Developmental and epileptic encephalopathy, 9 (DEE9). Also called: Early infantile epileptic encephalopathy 9; JUBERG-HELLMAN SYNDROME; EPILEPSY, FEMALE-RESTRICTED, WITH MENTAL RETARDATION; PCDH19-Related X-Linked Female-Limited Epilepsy with Mental Retardation. Identifiers: Orphanet 101039, Orphanet 2076, MedGen C1848137, MONDO:0010246, OMIM 300088. Disease mechanism: loss of function.

Submission:

Labcorp Genetics (formerly Invitae), Labcorp
Classification: Pathogenic for Developmental and epileptic encephalopathy, 9. Last evaluated: 2023-09-10. Review status: criteria provided, single submitter. Criteria: Invitae Variant Classification Sherloc (09022015). Collection method: clinical testing. Allele origin: germline.
Comment: This sequence change creates a premature translational stop signal (p.Ser474Cysfs*48) in the PCDH19 gene. It is expected to result in an absent or disrupted protein product. Loss-of-function variants in PCDH19 are known to be pathogenic (PMID: 21053371). For these reasons, this variant has been classified as Pathogenic. This variant has not been reported in the literature in individuals affected with PCDH19-related conditions. This variant is not present in population databases (gnomAD no frequency).

Literature cited by the submitters: PubMed 21053371.